The following is an entry in ClinVar:

ClinVar aggregate classification (germline): Uncertain significance (1 of 4 stars; one submission).

Submission:

Greenwood Genetic Center Diagnostic Laboratories, Greenwood Genetic Center
Classification: Uncertain significance. Last evaluated: 2020-12-18. Review status: criteria provided, single submitter. Criteria: ACMG Guidelines, 2015. Collection method: clinical testing. Allele origin: germline. Affected: yes.
Comment: No ACMG evidence could be applied

NM_032656.4(DHX37):c.1591-1G>C

Gene: DHX37 (DEAH-box helicase 37; minus strand). Cytogenetic location: 12q24.31.
Variant type: single nucleotide variant.
Coding change: c.1591-1G>C on transcript NM_032656.4 (MANE Select); the canonical splice acceptor site of the intron before coding-DNA position 1591, G replaced by C.
Molecular consequence: splice acceptor variant.
Genome position (GRCh38, 1-based): chr12:124,965,813, C>G on the plus strand (G>C on the coding strand, the complement: DHX37 is on the minus strand). VCF-style: chr12-124965813-C-G. GRCh37 (hg19) VCF-style: chr12-125450359-C-G.
Identifiers: ClinVar variation 1331548 (VCV001331548.4), dbSNP rs2135947068, ClinGen allele CA387225445.